The following is an entry in ClinVar:

ClinVar aggregate classification (germline): Likely benign. Review status: criteria provided, multiple submitters, no conflicts (2 of 4 stars). 4 submissions from 4 submitters: Likely benign (3). 1 of the submissions does not count toward it. Last evaluated 2026-06-01.

Conditions:
Inborn genetic diseases. Identifiers: MedGen C0950123, MeSH D030342.
TRAPPC9-related disorder. Also called: TRAPPC9-related condition.

Allele frequency attached by ClinVar (database versions not stated): gnomAD 0.00067 and 0.00065; gnomAD exomes 0.00013; ExAC 0.00014; 1000 Genomes Project 30x 0.00047; TOPMed 0.00059; 1000 Genomes Project 0.00060; ESP Exome Variant Server 0.00062.
gnomAD v4.1: 196 of 1,614,226 alleles (0.012%); highest among the groups gnomAD compares: African/African-American, 0.19%; 1 homozygote.

Submissions (4):

CeGaT Center for Human Genetics Tuebingen
Classification: Likely benign. Last evaluated: 2026-06-01. Review status: criteria provided, single submitter. Criteria: CeGaT Center For Human Genetics Tuebingen Variant Classification Criteria Version 2. Collection method: clinical testing. Allele origin: germline. Affected: yes. Observed: 1 variant allele.
Comment: TRAPPC9: BP4, BP7

Labcorp Genetics (formerly Invitae), Labcorp
Classification: Likely benign. Last evaluated: 2026-01-17. Review status: criteria provided, single submitter. Criteria: Invitae Variant Classification Sherloc (09022015). Collection method: clinical testing. Allele origin: germline.

Ambry Genetics
Classification: Likely benign for Inborn genetic diseases. Last evaluated: 2016-12-27. Review status: criteria provided, single submitter. Criteria: Ambry Variant Classification Scheme 2023. Collection method: clinical testing. Allele origin: germline.

PreventionGenetics, part of Exact Sciences
Classification: Likely benign for TRAPPC9-related condition. Last evaluated: 2021-12-01. Review status: no assertion criteria provided. Collection method: clinical testing. Allele origin: germline. Not counted in ClinVar's aggregate classification.
Comment: This variant is classified as likely benign based on ACMG/AMP sequence variant interpretation guidelines (Richards et al. 2015 PMID: 25741868, with internal and published modifications).

NM_001160372.4(TRAPPC9):c.1233C>T (p.Ala411=)

Gene: TRAPPC9 (trafficking protein particle complex subunit 9; minus strand). Cytogenetic location: 8q24.3.
Variant type: single nucleotide variant.
Coding change: c.1233C>T on transcript NM_001160372.4 (MANE Select); coding-DNA position 1233, C replaced by T.
Protein change: p.Ala411=; no amino-acid change (alanine 411 retained).
Molecular consequence: synonymous variant. On other transcripts: non-coding transcript variant (1).
Genome position (GRCh38, 1-based): chr8:140,371,082, G>A on the plus strand (C>T on the coding strand, the complement: TRAPPC9 is on the minus strand). VCF-style: chr8-140371082-G-A. GRCh37 (hg19) VCF-style: chr8-141381181-G-A.
Other names: c.1206C>T, p.Ala402= (NM_001321646.2); c.1254C>T, p.Ala418= (NM_001374682.1); c.1233C>T, p.Ala411= (NM_001374683.1, NM_001374684.1, NM_031466.8).
Identifiers: ClinVar variation 589483 (VCV000589483.19), dbSNP rs142390632, ClinGen allele CA4893509.